The following is an entry in ClinVar:

ClinVar aggregate classification (germline): Conflicting classifications of pathogenicity. Review status: criteria provided, conflicting classifications (1 of 4 stars). 3 submissions from 3 submitters: Uncertain significance (2); Likely benign (1). Last evaluated 2025-01-08.

Conditions:
Inborn genetic diseases. Identifiers: MedGen C0950123, MeSH D030342.

Allele frequency attached by ClinVar (database versions not stated): gnomAD 0.00001; gnomAD exomes 0.00001; ExAC 0.00002.
gnomAD v4.1: 20 of 1,613,402 alleles (0.0012%); highest among the groups gnomAD compares: South Asian, 0.02%; no homozygotes.

Submissions (3):

Ambry Genetics
Classification: Uncertain significance for Inborn genetic diseases. Last evaluated: 2025-01-08. Review status: criteria provided, single submitter. Criteria: Ambry Variant Classification Scheme 2023. Collection method: clinical testing. Allele origin: germline.
Comment: The p.V762I variant (also known as c.2284G>A), located in coding exon 21 of the ANKRD26 gene, results from a G to A substitution at nucleotide position 2284. The valine at codon 762 is replaced by isoleucine, an amino acid with highly similar properties. This amino acid position is conserved. In addition, this alteration is predicted to be tolerated by in silico analysis. Based on the available evidence, the clinical significance of this variant remains unclear.

Blueprint Genetics
Classification: Likely benign. Last evaluated: 2024-07-11. Review status: criteria provided, single submitter. Criteria: ACMG Guidelines, 2015. Collection method: clinical testing. Allele origin: germline.

Labcorp Genetics (formerly Invitae), Labcorp
Classification: Uncertain significance. Last evaluated: 2023-10-24. Review status: criteria provided, single submitter. Criteria: Invitae Variant Classification Sherloc (09022015). Collection method: clinical testing. Allele origin: germline.
Comment: This sequence change replaces valine, which is neutral and non-polar, with isoleucine, which is neutral and non-polar, at codon 762 of the ANKRD26 protein (p.Val762Ile). This variant is present in population databases (rs751224252, gnomAD 0.02%). This variant has not been reported in the literature in individuals affected with ANKRD26-related conditions. An algorithm developed to predict the effect of missense changes on protein structure and function (PolyPhen-2) suggests that this variant is likely to be tolerated. In summary, the available evidence is currently insufficient to determine the role of this variant in disease. Therefore, it has been classified as a Variant of Uncertain Significance.

NM_014915.3(ANKRD26):c.2284G>A (p.Val762Ile)

Gene: ANKRD26 (ankyrin repeat domain 26; minus strand). Cytogenetic location: 10p12.1.
Variant type: single nucleotide variant.
Coding change: c.2284G>A on transcript NM_014915.3 (MANE Select); coding-DNA position 2284, G replaced by A.
Protein change: p.Val762Ile; replaces valine 762 with isoleucine.
Molecular consequence: missense variant.
Genome position (GRCh38, 1-based): chr10:27,040,056, C>T on the plus strand (G>A on the coding strand, the complement: ANKRD26 is on the minus strand). VCF-style: chr10-27040056-C-T. GRCh37 (hg19) VCF-style: chr10-27328985-C-T.
Other names: c.2281G>A, p.Val761Ile (NM_001256053.2); short protein forms V761I, V762I.
Identifiers: ClinVar variation 2883589 (VCV002883589.6), dbSNP rs751224252, ClinGen allele CA5448259.
Genomic context (GRCh38, chr10:27,040,056, plus strand): 5'-CTTTTTGATGCTCTAACTGTGATTTTATTTCTTTTGTTTCAGATAGCTCCCTTTGTAGTA[C>T]ATTAACCTTGTCTTCCATTTTTTTAATTTTTACTGTAAGTAGTTCACAGTGATTTTTTTT-3'
Protein context (NP_055730.2, residues 752-772): KIKKMEDKVN[Val762Ile]LQRELSETKE